The following is an entry in ClinVar:

NM_032237.5(POMK):c.473G>A (p.Ser158Asn)

Gene: POMK (protein O-mannose kinase; plus strand). Cytogenetic location: 8p11.21.
Variant type: single nucleotide variant.
Coding change: c.473G>A on transcript NM_032237.5 (MANE Select); coding-DNA position 473, G replaced by A.
Protein change: p.Ser158Asn; replaces serine 158 with asparagine.
Molecular consequence: missense variant.
Genome position (GRCh38, 1-based): chr8:43,122,297, G>A. VCF-style: chr8-43122297-G-A. GRCh37 (hg19) VCF-style: chr8-42977440-G-A.
Other names: c.473G>A, p.Ser158Asn (NM_001277971.2); c.473G>A (NM_032237.3); short protein forms S158N.
Identifiers: ClinVar variation 2187902 (VCV002187902.2), dbSNP rs1230870772, ClinGen allele CA371121980.

ClinVar aggregate classification (germline): Uncertain significance. Review status: criteria provided, multiple submitters, no conflicts (2 of 4 stars). 2 submissions from 2 submitters: Uncertain significance (2). Last evaluated 2025-06-07.

Conditions:
Muscular dystrophy-dystroglycanopathy (congenital with brain and eye anomalies), type a, 12 (MDDGA12). Also called: WALKER-WARBURG SYNDROME OR MUSCLE-EYE-BRAIN DISEASE, POMK-RELATED. Identifiers: Orphanet 899, MedGen C3808964, MONDO:0014101, OMIM 615249.
Limb-girdle muscular dystrophy due to POMK deficiency. Also called: MUSCULAR DYSTROPHY-DYSTROGLYCANOPATHY, LIMB-GIRDLE, POMK-RELATED; Muscular dystrophy-dystroglycanopathy (limb-girdle), type c, 12. Identifiers: Orphanet 445110, MedGen C4015184, MONDO:0014489, OMIM 616094.
Inborn genetic diseases. Identifiers: MedGen C0950123, MeSH D030342.

Allele frequency attached by ClinVar (database versions not stated): gnomAD exomes below 0.00001.
gnomAD v4.1: 1 of 1,614,210 alleles (0.000062%); highest among the groups gnomAD compares: Non-Finnish European, 0.000085%; no homozygotes.

Submissions (2):

Ambry Genetics
Classification: Uncertain significance for Inborn genetic diseases. Last evaluated: 2025-06-07. Review status: criteria provided, single submitter. Criteria: Ambry Variant Classification Scheme 2023. Collection method: clinical testing. Allele origin: germline.

Labcorp Genetics (formerly Invitae), Labcorp
Classification: Uncertain significance for Muscular dystrophy-dystroglycanopathy (congenital with brain and eye anomalies), type a, 12; Limb-girdle muscular dystrophy due to POMK deficiency. Last evaluated: 2022-08-22. Review status: criteria provided, single submitter. Criteria: Invitae Variant Classification Sherloc (09022015). Collection method: clinical testing. Allele origin: germline.
Comment: This sequence change replaces serine, which is neutral and polar, with asparagine, which is neutral and polar, at codon 158 of the POMK protein (p.Ser158Asn). This variant is not present in population databases (gnomAD no frequency). This variant has not been reported in the literature in individuals affected with POMK-related conditions. Algorithms developed to predict the effect of missense changes on protein structure and function output the following: SIFT: "Tolerated"; PolyPhen-2: "Benign"; Align-GVGD: "Class C0". The asparagine amino acid residue is found in multiple mammalian species, which suggests that this missense change does not adversely affect protein function. In summary, the available evidence is currently insufficient to determine the role of this variant in disease. Therefore, it has been classified as a Variant of Uncertain Significance.